The following is an entry in ClinVar:

ClinVar aggregate classification (germline): Likely pathogenic. Review status: criteria provided, single submitter (1 of 4 stars). 2 submissions from 2 submitters: Likely pathogenic (1). 1 of the submissions does not count toward it. Last evaluated 2021-11-14.

Conditions:
Nemaline myopathy 2 (NEM2). Also called: Nemaline myopathy 2, autosomal recessive. Identifiers: MedGen C1850569, MONDO:0009725, OMIM 256030.

Submissions (2):

Labcorp Genetics (formerly Invitae), Labcorp
Classification: Likely pathogenic for Nemaline myopathy 2. Last evaluated: 2021-11-14. Review status: criteria provided, single submitter. Criteria: Invitae Variant Classification Sherloc (09022015). Collection method: clinical testing. Allele origin: germline.
Comment: In summary, the currently available evidence indicates that the variant is pathogenic, but additional data are needed to prove that conclusively. Therefore, this variant has been classified as Likely Pathogenic. Algorithms developed to predict the effect of sequence changes on RNA splicing suggest that this variant may disrupt the consensus splice site. ClinVar contains an entry for this variant (Variation ID: 554326). This variant has not been reported in the literature in individuals affected with NEB-related conditions. This variant is not present in population databases (gnomAD no frequency). This sequence change affects an acceptor splice site in intron 3 of the NEB gene. It is expected to disrupt RNA splicing. Variants that disrupt the donor or acceptor splice site typically lead to a loss of protein function (PMID: 16199547), and loss-of-function variants in NEB are known to be pathogenic (PMID: 25205138).

Counsyl
Classification: Likely pathogenic for Nemaline myopathy 2. Last evaluated: 2017-10-16. Review status: no assertion criteria provided. Collection method: clinical testing. Allele origin: unknown. Not counted in ClinVar's aggregate classification.

Literature cited by the submitters: PubMed 16199547 (cited by Labcorp Genetics (formerly Invitae), Labcorp); PubMed 25205138 (cited by Labcorp Genetics (formerly Invitae), Labcorp).

NM_001164508.2(NEB):c.37-1G>C

Gene: NEB (nebulin; minus strand). Cytogenetic location: 2q23.3.
Variant type: single nucleotide variant.
Coding change: c.37-1G>C on transcript NM_001164508.2 (MANE Select); the canonical splice acceptor site of the intron before coding-DNA position 37, G replaced by C.
Molecular consequence: splice acceptor variant.
Genome position (GRCh38, 1-based): chr2:151,729,657, C>G on the plus strand (G>C on the coding strand, the complement: NEB is on the minus strand). VCF-style: chr2-151729657-C-G. GRCh37 (hg19) VCF-style: chr2-152586171-C-G.
Other names: c.37-1G>C (NM_004543.5, NM_001164507.2, NM_001271208.2).
Identifiers: ClinVar variation 554326 (VCV000554326.8), dbSNP rs1428597732, ClinGen allele CA348797089.